The following is an entry in ClinVar:

ClinVar aggregate classification (germline): Likely benign (1 of 4 stars; one submission).

Conditions:
KSR2-related disorder. Also called: KSR2-related condition.

gnomAD v4.1: 26 of 1,613,778 alleles (0.0016%); highest among the groups gnomAD compares: East Asian, 0.033%; no homozygotes.

Submission:

PreventionGenetics, part of Exact Sciences
Classification: Likely benign for KSR2-related condition. Last evaluated: 2025-05-01. Review status: criteria provided, single submitter. Criteria: ACMG Guidelines, 2015. Collection method: clinical testing. Allele origin: germline.
Comment: This variant is classified as likely benign based on ACMG/AMP sequence variant interpretation guidelines (Richards et al. 2015 PMID: 25741868, with internal and published modifications).

NM_173598.6(KSR2):c.1923G>A (p.Ser641=)

Gene: KSR2 (kinase suppressor of ras 2; minus strand). Cytogenetic location: 12q24.22.
Variant type: single nucleotide variant.
Coding change: c.1923G>A on transcript NM_173598.6 (MANE Select); coding-DNA position 1923, G replaced by A.
Protein change: p.Ser641=; no amino-acid change (serine 641 retained).
Molecular consequence: synonymous variant.
Genome position (GRCh38, 1-based): chr12:117,525,148, C>T on the plus strand (G>A on the coding strand, the complement: KSR2 is on the minus strand). VCF-style: chr12-117525148-C-T. GRCh37 (hg19) VCF-style: chr12-117962953-C-T.
Identifiers: ClinVar variation 4977025 (VCV004977025.1).